The following is an entry in ClinVar:

NM_000552.5(VWF):c.2561G>A (p.Arg854Gln)

Gene: VWF (von Willebrand factor; minus strand). Cytogenetic location: 12p13.31.
Variant type: single nucleotide variant.
Coding change: c.2561G>A on transcript NM_000552.5 (MANE Select); coding-DNA position 2561, G replaced by A.
Protein change: p.Arg854Gln; replaces arginine 854 with glutamine.
Molecular consequence: missense variant.
Genome position (GRCh38, 1-based): chr12:6,034,812, C>T on the plus strand (G>A on the coding strand, the complement: VWF is on the minus strand). VCF-style: chr12-6034812-C-T. GRCh37 (hg19) VCF-style: chr12-6143978-C-T.
Other names: p.R854Q; NM_000552.5(VWF):c.2561G>A; short protein forms R854Q.
Identifiers: ClinVar variation 296 (VCV000000296.124), dbSNP rs41276738, ClinGen allele CA114139.

ClinVar aggregate classification (germline): Pathogenic. Review status: reviewed by expert panel (3 of 4 stars). 55 submissions from 52 submitters: Pathogenic (1). 54 of the submissions do not count toward it. Last evaluated 2024-07-09.

Conditions:
von Willebrand disease type 2 (VWD2). Also called: VWD, TYPE 2; VON WILLEBRAND DISEASE, TYPE 2A/IIE; VON WILLEBRAND DISEASE, TYPE 2CB; VON WILLEBRAND DISEASE, TYPE II. Identifiers: Orphanet 166081, Orphanet 903, MedGen C1264040, MONDO:0013304, OMIM 613554.
von Willebrand disease type 3 (VWD3). Also called: Type 3 Von Willebrand's disease; Type 3 VWD; Von Willebrand disease, severe form; V WD3; VON WILLEBRAND DISEASE, TYPE III. Identifiers: Orphanet 166096, MedGen C1264041, MONDO:0010191, OMIM 277480.
VWF-related disorder. Also called: VWF-related disorders; VWF-related condition.
von Willebrand disorder (VWD). Also called: Von Willebrand disease (hereditary or acquired); von Willebrand's disease; von Willebrand Diseases. Identifiers: MedGen C0042974, MeSH D014842, MONDO:0024574.
von Willebrand disease type 1 (VWD1). Also called: VWD, TYPE 1; VON WILLEBRAND DISEASE, TYPE I. Identifiers: Orphanet 166078, Orphanet 903, MedGen C1264039, MONDO:0008668, OMIM 193400. Inheritance: autosomal recessive or autosomal dominant.
Hereditary von Willebrand disease. Identifiers: Orphanet 903, MedGen C5703318, MONDO:0019565. Inheritance: Autosomal recessive or Autosomal dominant.
von Willebrand disease type 2N (VWD2N). Identifiers: Orphanet 166093, MedGen C1282975, MONDO:0015631.
Abnormality of coagulation. Identifiers: MedGen C1846821, HP:0001928.
Thrombocytopenia. Identifiers: MedGen C0040034, MeSH D013921, MONDO:0002049, HP:0001873.
Abnormal bleeding. Also called: Bleeding diathesis. Identifiers: MedGen C1458140, HP:0001892.

Allele frequency attached by ClinVar (database versions not stated): 1000 Genomes Project 0.00180; 1000 Genomes Project 30x 0.00187; ExAC 0.00308; gnomAD exomes 0.00340 and 0.00511; TOPMed 0.00351; gnomAD 0.00377 and 0.00378.
gnomAD v4.1: 8,000 of 1,614,214 alleles (0.5%); highest among the groups gnomAD compares: Non-Finnish European, 0.6%; 26 homozygotes.

Submissions 1 to 8 of 55:

ClinGen von Willebrand Disease Variant Curation Expert Panel, ClinGen
Classification: Pathogenic for von Willebrand disease type 2N. Last evaluated: 2024-07-09. Review status: reviewed by expert panel. Criteria: ClinGen VWD 2N Rules. Collection method: curation. Allele origin: germline. Inheritance: Autosomal recessive inheritance.
Comment: The NM_000552.5(VWF):c.2561G>A variant in VWF is a missense variant predicted to cause substitution of arginine by glutamine at amino acid 854. The Grpmax filtering allele frequency in gnomAD v4.0 is 0.005857 (based on 7050/1180026 alleles, with 24 homozygotes) in the European non-Finnish population. This allele frequency is above the ClinGen VWD VCEP threshold for VWD Type 2N (<0.005) for PM2_Supporting but below the threshold (>0.01) for BS1 and therefore does not meet any population criterion. At least 9 patients with this variant displayed excessive mucocutaneous bleeding, low FVIII activity, and decreased VWF:FVIII binding, which is highly specific for VWD type 2N (PP4_Moderate, PMID: 28971901, PMID: 22875612). Four individuals were homozygous for the variant (PMID: 28971901, PMID: 22875612, PMID: 1832934) and one of those individuals was compound heterozygous for the variant and a pathogenic variant (p.Arg816Trp) confirmed in trans (PMID: 1832934), additional compound heterozygotes have been reported but were not considered here (PM3_Strong). In one family, the variant segregated with VWD type 2N in the proband and a second affected family member (PP1; PMID: 28971901). A hydrodynamic mouse model showed reduced factor VIII stability and impaired binding of factor VIII to VWF, indicating that this variant has a damaging effect on protein function (PMID: 28581694)(PS3). In summary, this variant meets the criteria to be classified as Pathogenic for von Willebrand disease type 2N. ACMG/AMP criteria applied as specified by the ClinGen von Willebrand disease Variant Curation Expert Panel: PS3, PM3_Strong, PP4_Moderate, PP1.

PreventionGenetics, part of Exact Sciences
Classification: Pathogenic for VWF-related condition. Last evaluated: 2026-08-27. Review status: criteria provided, single submitter. Criteria: ACMG Guidelines, 2015. Collection method: clinical testing. Allele origin: germline. Not counted in ClinVar's aggregate classification.
Comment: The VWF c.2561G>A variant is predicted to result in the amino acid substitution p.Arg854Gln. This variant (aka p.Arg91Gln) has been reported in the homozygous or compound heterozygous state in many patients with recessive von Willebrand disease (VWD) type 2N (van Meergeren et al. 2015. PubMed ID: 26207643; Castaman et al. 2010. PubMed ID: 20586924; Gaucher et al. 1991. PubMed ID: 1832934; Hilbert et al. 2004. PubMed ID: 15461624). This variant has also been reported in the compound heterozygous state in at least one individual with the type I version of Willebrand disease (Peerlinck et al. 1992. PubMed ID: 1581215). Different cellular and biochemical studies indicate the p.Arg854Gln change alters normal VWF protein function (Cacheris et al. 1991. PubMed ID: 1906877; Castaman et al. 2010. PubMed ID: 20586924; Wang et al. 2013. PubMed ID: 23426949; Hilbert et al. 2004. PubMed ID: 15461624). This variant is reported in 0.57% of alleles in individuals of European (Finnish) descent in gnomAD, including several homozygotes, indicating it is relatively common. This variant has been classified as pathogenic by the ClinGen von Willebrand Disease Variant Curation Expert Panel in ClinVar (Variation ID: 296). This variant is interpreted as pathogenic for autosomal recessive von Willebrand disease type 2N.

GeneDx
Classification: Pathogenic. Last evaluated: 2026-02-06. Review status: criteria provided, single submitter. Criteria: GeneDx Variant Classification Process June 2021. Collection method: clinical testing. Allele origin: germline. Affected: yes. Not counted in ClinVar's aggregate classification.
Comment: In silico analysis supports that this missense variant has a deleterious effect on protein structure/function; This variant is associated with the following publications: (PMID: 38947547, 26207643, 26105150, 26764160, 31064749, 20981092, 21489050, 21371195, 22197721, 23636243, 22875612, 22995991, 24029428, 25649154, 16953269, 9684781, 24033266, 20409624, 1906877, 23426949, 1832934, 1581215, 15461624, 25212677, 28436749, 29115006, 29220693, 29431110, 30609409, 30431218, 30722078, 31019283, 32935436, 31980526, 34426522, 31589614, 8115998, 9692396, 33942438, 36920765, 33556167, 12588349, 20586924, 38523675, 37872709, 38992343)

CeGaT Center for Human Genetics Tuebingen
Classification: Likely pathogenic. Last evaluated: 2025-09-01. Review status: criteria provided, single submitter. Criteria: CeGaT Center For Human Genetics Tuebingen Variant Classification Criteria Version 2. Collection method: clinical testing. Allele origin: germline. Affected: yes. Observed: 17 variant alleles. Not counted in ClinVar's aggregate classification.
Comment: VWF: PP1:Strong, PM1, PM5, PS3:Moderate, BP4

Mayo Clinic Laboratories, Mayo Clinic
Classification: Pathogenic. Last evaluated: 2025-06-25. Review status: criteria provided, single submitter. Criteria: ACMG Guidelines, 2015. Collection method: clinical testing. Allele origin: germline. Observed: 18 variant alleles. Not counted in ClinVar's aggregate classification.
Comment: PP1, PP5, PM3_strong, PS3, PS4

ARUP Laboratories, Molecular Genetics and Genomics, ARUP Laboratories
Classification: Pathogenic. Last evaluated: 2025-06-18. Review status: criteria provided, single submitter. Criteria: ARUP Molecular Germline Variant Investigation Process 2024. Collection method: clinical testing. Allele origin: germline. Not counted in ClinVar's aggregate classification.
Comment: The VWF c.2561G>A; p.Arg854Gln variant (also known as Arg91Gln) is published in the literature in individuals with von Willebrand disease (VWD) type 2N and is the most common VWD type 2N pathogenic variant (Casonato 2018, Veyradier 2011, Wang 2013). Functional analyses of the variant protein show decreased factor VIII binding, consistent with VWD type 2N (Veyradier 2011, Wang 2013). This variant is reported in ClinVar (Variation ID: 296). This variant is found in the general population with an overall allele frequency of .347% (980/ 282824 alleles, including 5 homozygotes) in the Genome Aggregation Database. The arginine at codon 854 is highly conserved, but computational analyses are uncertain whether this variant is neutral or deleterious (REVEL: 0.487). Considering available information, this variant is classified as pathogenic. References: Casonato A et al. Type 2N von Willebrand disease: Characterization and diagnostic difficulties. Haemophilia. 2018 Jan;24(1):134-140. Veyradier A et al. Validation of the first commercial ELISA for type 2N von Willebrand's disease diagnosis. Haemophilia. 2011. 17(6):944-51. Wang JW et al. Analysis of the storage and secretion of von Willebrand factor in blood outgrowth endothelial cells derived from patients with von Willebrand disease. Blood. 2013. 121(14):2762-72.

Department of Paediatrics at Addenbrookes, Cambridge University Hospitals NHS Foundation Trust (UK)
Classification: Pathogenic for von Willebrand disease type 2. Last evaluated: 2025-05-27. Review status: criteria provided, single submitter. Criteria: Durkie Uk Practice Guidelines For Variant Classification V12 2024 (1). Collection method: clinical testing. Allele origin: unknown. Not counted in ClinVar's aggregate classification.
Comment: PS3_Strong; PM3_Strong; PP4_Moderate; PP1_Supporting

Dasa
Classification: Pathogenic. Last evaluated: 2025-05-09. Review status: criteria provided, single submitter. Criteria: DASA Assertion Criteria. Collection method: clinical testing. Allele origin: germline. Not counted in ClinVar's aggregate classification.
Comment: NM_000552.5(VWF):c.2561G>A (p.Arg854Gln) is a missense variant that results in the substitution of arginine with glutamine. The affected residue or protein region has prior evidence supporting clinical relevance. Segregation evidence has been reported in affected families. This variant has been observed in affected individuals with related phenotype in a genotype context consistent with recessive disease (PMID: 15461624; PMID: 28581694; PMID: 16953269; PMID: 20586924; PMID: 35189660). Functional evidence supports a deleterious effect on the gene or gene product (PMID: 15461624; PMID: 28581694; PMID: 16953269; PMID: 20586924; PMID: 35189660). This variant has been recurrently observed in individuals with related phenotype (PMID: 15461624; PMID: 28581694; PMID: 16953269; PMID: 20586924; PMID: 35189660). The variant is present at low frequency in population datasets. Based on the available data, this variant is classified as pathogenic.